The following is an entry in ClinVar:

NM_153717.3(EVC):c.2056dup (p.Gln686fs)

Gene: EVC (EvC ciliary complex subunit 1; plus strand). Cytogenetic location: 4p16.2.
Variant type: Duplication.
Coding change: c.2056dup on transcript NM_153717.3 (MANE Select); coding-DNA position 2056, one base duplicated (C; older notation c.2056dupC).
Protein change: p.Gln686fs; shifts the reading frame from glutamine 686.
Molecular consequence: frameshift variant.
Genome position (GRCh38, 1-based): chr4:5,797,191, C duplicated; the last of 3 consecutive C bases (chr4:5,797,189-5,797,191); duplicating any one gives the same sequence. VCF-style (leftmost placement, unchanged base first): chr4-5797188-T-TC. GRCh37 (hg19) VCF-style: chr4-5798915-T-TC.
Other names: c.2056dup, p.Gln686fs (NM_001306090.2); short protein forms Q686fs.
Identifiers: ClinVar variation 5014869 (VCV005014869.1).
Genomic context (GRCh38, chr4:5,797,188, plus strand): 5'-TCGGGGAAGAAGCACCTCCTGCAGGAGCTGCGGGAACAGCGTGCACTGGAGCAGGGGTCC[T>TC]CCCAGTGCCTGGACGAGCATCAGTGGCAGCTGCTCAGGGCCCTGGTAAGACCAGCATGGT-3'

ClinVar aggregate classification (germline): Pathogenic (1 of 4 stars; one submission).

Conditions:
Ellis-van Creveld syndrome (EVC). Also called: MESOECTODERMAL DYSPLASIA; Chondroectodermal dysplasia. Identifiers: Orphanet 289, MedGen C0013903, MONDO:0009162, OMIM 225500.

Submission:

Myriad Genetics, Inc.
Classification: Pathogenic for Ellis-van Creveld syndrome. Last evaluated: 2025-08-13. Review status: criteria provided, single submitter. Criteria: Myriad Autosomal Dominant, Autosomal Recessive and X-Linked Classification Criteria (2023). Collection method: clinical testing. Allele origin: unknown.
Comment: NM_153717.2(EVC):c.2056dupC(Q686Pfs*81) is expected to be pathogenic in the context of EVC-related Ellis-van Creveld syndrome. This variant is predicted to lead to an abnormal or absent protein product due to the creation of a premature termination codon in EVC, a gene where loss-of-function variants are known to be pathogenic. Please note: this variant was assessed in the context of healthy population screening.